The following is an entry in ClinVar:

NM_005591.4(MRE11):c.617A>G (p.Asp206Gly)

Gene: MRE11 (MRE11 double strand break repair nuclease; minus strand). Cytogenetic location: 11q21.
Variant type: single nucleotide variant.
Coding change: c.617A>G on transcript NM_005591.4 (MANE Select); coding-DNA position 617, A replaced by G.
Protein change: p.Asp206Gly; replaces aspartic acid 206 with glycine.
Molecular consequence: missense variant.
Genome position (GRCh38, 1-based): chr11:94,476,331, T>C on the plus strand (A>G on the coding strand, the complement: MRE11 is on the minus strand). VCF-style: chr11-94476331-T-C. GRCh37 (hg19) VCF-style: chr11-94209497-T-C.
Other names: c.617A>G, p.Asp206Gly (NM_001330347.2, NM_005590.4); short protein forms D206G.
Identifiers: ClinVar variation 2451350 (VCV002451350.2), dbSNP rs1946854289, ClinGen allele CA382376720.

ClinVar aggregate classification (germline): Uncertain significance (1 of 4 stars; one submission).

Conditions:
Hereditary cancer-predisposing syndrome. Also called: Neoplastic Syndromes, Hereditary; Tumor predisposition; Hereditary neoplastic syndrome; Hereditary Cancer Syndrome. Identifiers: Orphanet 140162, MedGen C0027672, MeSH D009386, MONDO:0015356.

Submission:

Ambry Genetics
Classification: Uncertain significance for Hereditary cancer-predisposing syndrome. Last evaluated: 2022-11-07. Review status: criteria provided, single submitter. Criteria: Ambry Variant Classification Scheme 2023. Collection method: clinical testing. Allele origin: germline.
Comment: The p.D206G variant (also known as c.617A>G), located in coding exon 6 of the MRE11A gene, results from an A to G substitution at nucleotide position 617. The aspartic acid at codon 206 is replaced by glycine, an amino acid with similar properties. This amino acid position is well conserved in available vertebrate species. In addition, the in silico prediction for this alteration is inconclusive. Since supporting evidence is limited at this time, the clinical significance of this alteration remains unclear.